The following is an entry in ClinVar:

NM_001079872.2(CUL4B):c.2394_2395del (p.His798fs)

Gene: CUL4B (cullin 4B; minus strand). Cytogenetic location: Xq24.
Variant type: Deletion.
Coding change: c.2394_2395del on transcript NM_001079872.2 (MANE Select); coding-DNA positions 2394 to 2395, 2 bases deleted (TA; older notation c.2394_2395delTA).
Protein change: p.His798fs; shifts the reading frame from histidine 798.
Molecular consequence: frameshift variant.
Genome position (GRCh38, 1-based): chrX:120,532,466-120,532,467, TA deleted on the plus strand (TA on the coding strand, the reverse complement: CUL4B is on the minus strand); deleting any 2 consecutive bases within chrX:120,532,466-120,532,468 gives the same sequence; the c. name uses the placement nearest the transcript's 3' end. VCF-style (leftmost placement, unchanged base first): chrX-120532465-TTA-T. GRCh37 (hg19) VCF-style: chrX-119666320-TTA-T.
Other names: c.2409_2410del, p.His803fs (NM_001330624.2); c.1860_1861del, p.His620fs (NM_001369145.1); c.2448_2449del, p.His816fs (NM_003588.4); short protein forms H620fs, H798fs, H803fs, H816fs.
Identifiers: ClinVar variation 3895515 (VCV003895515.1).

ClinVar aggregate classification (germline): Likely pathogenic (1 of 4 stars; one submission).

Conditions:
X-linked intellectual disability Cabezas type (MRXSC). Also called: Intellectual developmental disorder, X-linked syndromic, Cabezas type; CABEZAS SYNDROME; MENTAL RETARDATION, X-LINKED, SYNDROMIC 15. Identifiers: Orphanet 85289, Orphanet 85293, MedGen C1845861, MONDO:0010306, OMIM 300354.

Submission:

Neuberg Centre For Genomic Medicine, NCGM
Classification: Likely pathogenic for X-linked intellectual disability Cabezas type. Last evaluated: 2024-02-01. Review status: criteria provided, single submitter. Criteria: ACMG Guidelines, 2015. Collection method: clinical testing. Allele origin: germline. Inheritance: X-linked recessive inheritance. Affected: yes.
Comment: This variant causes a frameshift starting with codon Histidine 798, changes this amino acid to Glutamine residue, and creates a premature Stop codon at position 17 of the new reading frame, denoted p.His798GlnfsTer17. For these reasons, this variant has been classified as Likely Pathogenic.